The following is an entry in ClinVar:

ClinVar aggregate classification (germline): Pathogenic/Likely pathogenic. Review status: criteria provided, multiple submitters, no conflicts (2 of 4 stars). 7 submissions from 7 submitters: Pathogenic (6); Likely pathogenic (1). Last evaluated 2026-01-19.

Conditions:
ANO5-related disorder. Also called: ANO5-related condition; ANO5-related disorders. Identifiers: MedGen CN239193.
Gnathodiaphyseal dysplasia (GDD). Also called: OSTEOGENESIS IMPERFECTA WITH UNUSUAL SKELETAL LESIONS; GNATHODIAPHYSEAL SCLEROSIS. Identifiers: Orphanet 53697, MedGen C1833736, MONDO:0008151, OMIM 166260.
Autosomal recessive limb-girdle muscular dystrophy type 2L (LGMDR12). Also called: Limb-girdle muscular dystrophy, type 2L; MUSCULAR DYSTROPHY, LIMB-GIRDLE, AUTOSOMAL RECESSIVE 12; Limb-Girdle Muscular Dystrophy R12 Anoctamin-5-Related (LGMD-R12). Identifiers: Orphanet 206549, MedGen C1969785, MONDO:0012652, OMIM 611307.

Allele frequency attached by ClinVar (database versions not stated): ExAC 0.00001; gnomAD exomes 0.00002 and 0.00003; gnomAD 0.00003; TOPMed 0.00003; ESP Exome Variant Server 0.00008.
gnomAD v4.1: 53 of 1,597,680 alleles (0.0033%); highest among the groups gnomAD compares: Non-Finnish European, 0.0044%; no homozygotes.

Submissions (7):

Labcorp Genetics (formerly Invitae), Labcorp
Classification: Pathogenic for Autosomal recessive limb-girdle muscular dystrophy type 2L; Gnathodiaphyseal dysplasia. Last evaluated: 2026-01-19. Review status: criteria provided, single submitter. Criteria: Invitae Variant Classification Sherloc (09022015). Collection method: clinical testing. Allele origin: germline.
Comment: This sequence change affects a donor splice site in intron 8 of the ANO5 gene. It is expected to disrupt RNA splicing. Variants that disrupt the donor or acceptor splice site typically lead to a loss of protein function (PMID: 16199547), and loss-of-function variants in ANO5 are known to be pathogenic (PMID: 21186264, 23606453, 25891276, 30919934). This variant is present in population databases (rs372221490, gnomAD 0.003%). Disruption of this splice site has been observed in individuals with clinical features of autosomal recessive limb-girdle muscular dystrophy (PMID: 23606453; internal data). ClinVar contains an entry for this variant (Variation ID: 217144). Algorithms developed to predict the effect of sequence changes on RNA splicing suggest that this variant may disrupt the consensus splice site. For these reasons, this variant has been classified as Pathogenic.

GeneDx
Classification: Pathogenic. Last evaluated: 2025-05-30. Review status: criteria provided, single submitter. Criteria: GeneDx Variant Classification Process June 2021. Collection method: clinical testing. Allele origin: germline. Affected: yes.
Comment: Canonical splice site variant predicted to result in an in-frame loss of the adjacent exon in a gene for which loss of function is a known mechanism of disease; Not observed at significant frequency in large population cohorts (gnomAD); This variant is associated with the following publications: (PMID: 21186264, 25891276, 30564623, 23606453)

Blueprint Genetics
Classification: Likely pathogenic for ANO5-related disorders. Last evaluated: 2023-10-18. Review status: criteria provided, single submitter. Criteria: ACMG Guidelines, 2015. Collection method: clinical testing. Allele origin: germline. Affected: yes. Observed: 3 variant alleles.

Revvity Omics, Revvity
Classification: Pathogenic. Last evaluated: 2023-08-21. Review status: criteria provided, single submitter. Criteria: ACMG Guidelines, 2015. Collection method: clinical testing. Allele origin: germline.

Mayo Clinic Laboratories, Mayo Clinic
Classification: Pathogenic. Last evaluated: 2022-01-13. Review status: criteria provided, single submitter. Criteria: ACMG Guidelines, 2015. Collection method: clinical testing. Allele origin: germline.
Comment: PM2, PM3_supporting, PVS1

Eurofins Ntd Llc (ga)
Classification: Pathogenic. Last evaluated: 2017-02-28. Review status: criteria provided, single submitter. Criteria: EGL Classification Definitions 2015. Collection method: clinical testing. Allele origin: germline. Observed: 3 variant alleles, 2 heterozygotes, 1 homozygote.

Athena Diagnostics
Classification: Pathogenic for Limb-girdle muscular dystrophy, type 2L. Last evaluated: 2014-06-13. Review status: criteria provided, single submitter. Criteria: Athena Diagnostics Criteria. Collection method: clinical testing. Allele origin: germline. Inheritance: Autosomal recessive inheritance.

Literature cited by the submitters: PubMed 16199547 (cited by Labcorp Genetics (formerly Invitae), Labcorp); PubMed 21186264 (cited by Labcorp Genetics (formerly Invitae), Labcorp); PubMed 23606453 (cited by 3 submitters); PubMed 25891276 (cited by Labcorp Genetics (formerly Invitae), Labcorp); PubMed 30919934 (cited by Labcorp Genetics (formerly Invitae), Labcorp).

NM_213599.3(ANO5):c.762+1G>A

Gene: ANO5 (anoctamin 5; plus strand). Cytogenetic location: 11p14.3.
Variant type: single nucleotide variant.
Coding change: c.762+1G>A on transcript NM_213599.3 (MANE Select); the canonical splice donor site of the intron after coding-DNA position 762, G replaced by A.
Molecular consequence: splice donor variant.
Genome position (GRCh38, 1-based): chr11:22,236,277, G>A. VCF-style: chr11-22236277-G-A. GRCh37 (hg19) VCF-style: chr11-22257823-G-A.
Other names: c.720+1G>A (NM_001410963.1); c.759+1G>A (NM_001142649.2); c.717+1G>A (NM_001410964.1).
Identifiers: ClinVar variation 217144 (VCV000217144.20), dbSNP rs372221490, ClinGen allele CA210044.